The following is an entry in ClinVar:

ClinVar aggregate classification (germline): Uncertain significance. Review status: criteria provided, multiple submitters, no conflicts (2 of 4 stars). 2 submissions from 2 submitters: Uncertain significance (2). Last evaluated 2026-02-16.

Conditions:
Wilms tumor 1 (WT1). Also called: Wilms tumor, somatic. Identifiers: Orphanet 654, MedGen CN033288, MONDO:0008679, OMIM 194070.
Drash syndrome (DDS). Also called: WILMS TUMOR AND PSEUDO- OR TRUE HERMAPHRODITISM; NEPHROPATHY, WILMS TUMOR, AND GENITAL ANOMALIES. Identifiers: Orphanet 220, MedGen C0950121, MONDO:0008682, OMIM 194080.
11p partial monosomy syndrome (WAGR). Also called: WAGR syndrome; CHROMOSOME 11p13 DELETION SYNDROME; WAGR Complex; WAGR Spectrum Disorder. Identifiers: Orphanet 893, MedGen C0206115, MONDO:0008681, OMIM 194072.
Frasier syndrome. Identifiers: Orphanet 347, MedGen C0950122, MeSH D052159, MONDO:0007635, OMIM 136680.
Inborn genetic diseases. Identifiers: MedGen C0950123, MeSH D030342.

Allele frequency attached by ClinVar (database versions not stated): gnomAD exomes below 0.00001.
gnomAD v4.1: 2 of 1,459,782 alleles (0.00014%); highest among the groups gnomAD compares: Non-Finnish European, 0.00018%; no homozygotes.

Submissions (2):

Ambry Genetics
Classification: Uncertain significance for Inborn genetic diseases. Last evaluated: 2026-02-16. Review status: criteria provided, single submitter. Criteria: Ambry Variant Classification Scheme 2023. Collection method: clinical testing. Allele origin: germline.
Comment: The p.A103T variant (also known as c.307G>A), located in coding exon 1 of the WT1 gene, results from a G to A substitution at nucleotide position 307. The alanine at codon 103 is replaced by threonine, an amino acid with similar properties. This amino acid position is conserved. In addition, this alteration is predicted to be tolerated by in silico analysis. Based on the available evidence, the clinical significance of this variant remains unclear.

Labcorp Genetics (formerly Invitae), Labcorp
Classification: Uncertain significance for Wilms tumor 1; Drash syndrome; 11p partial monosomy syndrome; Frasier syndrome. Last evaluated: 2025-12-15. Review status: criteria provided, single submitter. Criteria: Invitae Variant Classification Sherloc (09022015). Collection method: clinical testing. Allele origin: germline.
Comment: This sequence change replaces alanine, which is neutral and non-polar, with threonine, which is neutral and polar, at codon 103 of the WT1 protein (p.Ala103Thr). This variant is not present in population databases (gnomAD no frequency). This variant has not been reported in the literature in individuals affected with WT1-related conditions. ClinVar contains an entry for this variant (Variation ID: 2061922). Invitae Evidence Modeling of protein sequence and biophysical properties (such as structural, functional, and spatial information, amino acid conservation, physicochemical variation, residue mobility, and thermodynamic stability) indicates that this missense variant is not expected to disrupt WT1 protein function with a negative predictive value of 95%. In summary, the available evidence is currently insufficient to determine the role of this variant in disease. Therefore, it has been classified as a Variant of Uncertain Significance.

NM_024426.6(WT1):c.322G>A (p.Ala108Thr)

Genes: WT1 (WT1 transcription factor; minus strand), LOC107982234 (WT1/WT1-AS bi-directional promoter region; plus strand). Cytogenetic location: 11p13.
Variant type: single nucleotide variant.
Coding change: c.322G>A on transcript NM_024426.6 (MANE Select); coding-DNA position 322, G replaced by A.
Protein change: p.Ala108Thr; replaces alanine 108 with threonine.
Molecular consequence: missense variant. On other transcripts: non-coding transcript variant (1).
Genome position (GRCh38, 1-based): chr11:32,435,039, C>T on the plus strand (G>A on the coding strand, the complement: WT1 is on the minus strand). VCF-style: chr11-32435039-C-T. GRCh37 (hg19) VCF-style: chr11-32456585-C-T.
Other names: c.307G>A (NM_024426.4); c.322G>A, p.Ala108Thr (NM_000378.6, NM_001407044.1, NM_001407045.1 and 6 more transcripts); c.307G>A, p.Ala103Thr (NM_024425.2); short protein forms A103T, A108T.
Identifiers: ClinVar variation 2061922 (VCV002061922.5), dbSNP rs1853459899, ClinGen allele CA379965928.
Genomic context (GRCh38, chr11:32,435,039, plus strand): 5'-CGGGGCCGCCCAACGACCCGTAAGCCGAAGCGCCCGGGGGCGCAAAGTCCAGCACCGGCG[C>T]CCACTGCGCCGCGCCGCTCACAGGCAGGGCACAGCCGCCGCCGCCACCCAGGGAGGGGAC-3'
Protein context (NP_077744.4, residues 98-118): ALPVSGAAQW[Ala108Thr]PVLDFAPPGA